The following is an entry in ClinVar:

ClinVar aggregate classification (germline): Uncertain significance. Review status: criteria provided, multiple submitters, no conflicts (2 of 4 stars). 3 submissions from 3 submitters: Uncertain significance (2). 1 of the submissions does not count toward it. Last evaluated 2025-10-22.

Conditions:
Inborn genetic diseases. Identifiers: MedGen C0950123, MeSH D030342.
Hereditary insensitivity to pain with anhidrosis (CIPA). Also called: INSENSITIVITY TO PAIN, CONGENITAL, WITH ANHIDROSIS; FAMILIAL DYSAUTONOMIA, TYPE II; NEUROPATHY, CONGENITAL SENSORY, WITH ANHIDROSIS; hereditary sensory and autonomic neuropathy type 4; NTRK1 Congenital Insensitivity to Pain with Anhidrosis; HSAN Type IV. Identifiers: Orphanet 642, MedGen C0020074, MONDO:0009746, OMIM 256800.

Allele frequency attached by ClinVar (database versions not stated): gnomAD exomes 0.00001 and 0.00003; TOPMed 0.00002; ExAC 0.00004; 1000 Genomes Project 30x 0.00016; 1000 Genomes Project 0.00020.
gnomAD v4.1: 22 of 1,614,166 alleles (0.0014%); highest among the groups gnomAD compares: East Asian, 0.013%; no homozygotes.

Submissions (3):

Ambry Genetics
Classification: Uncertain significance for Inborn genetic diseases. Last evaluated: 2025-10-22. Review status: criteria provided, single submitter. Criteria: Ambry Variant Classification Scheme 2023. Collection method: clinical testing. Allele origin: germline.

Labcorp Genetics (formerly Invitae), Labcorp
Classification: Uncertain significance for Hereditary insensitivity to pain with anhidrosis. Last evaluated: 2022-08-16. Review status: criteria provided, single submitter. Criteria: Invitae Variant Classification Sherloc (09022015). Collection method: clinical testing. Allele origin: germline.
Comment: This sequence change replaces glutamine, which is neutral and polar, with arginine, which is basic and polar, at codon 80 of the NTRK1 protein (p.Gln80Arg). This variant is present in population databases (rs55891455, gnomAD 0.03%). This variant has not been reported in the literature in individuals affected with NTRK1-related conditions. ClinVar contains an entry for this variant (Variation ID: 526730). Advanced modeling of protein sequence and biophysical properties (such as structural, functional, and spatial information, amino acid conservation, physicochemical variation, residue mobility, and thermodynamic stability) performed at Invitae indicates that this missense variant is not expected to disrupt NTRK1 protein function. In summary, the available evidence is currently insufficient to determine the role of this variant in disease. Therefore, it has been classified as a Variant of Uncertain Significance.

Natera, Inc.
Classification: Uncertain significance for Hereditary insensitivity to pain with anhidrosis. Last evaluated: 2020-01-09. Review status: no assertion criteria provided. Collection method: clinical testing. Allele origin: germline. Not counted in ClinVar's aggregate classification.

NM_002529.4(NTRK1):c.239A>G (p.Gln80Arg)

Gene: NTRK1 (neurotrophic receptor tyrosine kinase 1; plus strand). Cytogenetic location: 1q23.1.
Variant type: single nucleotide variant.
Coding change: c.239A>G on transcript NM_002529.4 (MANE Select); coding-DNA position 239, A replaced by G.
Protein change: p.Gln80Arg; replaces glutamine 80 with arginine.
Molecular consequence: missense variant.
Genome position (GRCh38, 1-based): chr1:156,864,380, A>G. VCF-style: chr1-156864380-A-G. GRCh37 (hg19) VCF-style: chr1-156834172-A-G.
Other names: c.149A>G, p.Gln50Arg (NM_001007792.1); c.239A>G, p.Gln80Arg (NM_001012331.2); short protein forms Q80R, Q50R.
Identifiers: ClinVar variation 526730 (VCV000526730.7), dbSNP rs55891455, ClinGen allele CA1168865.